The following is an entry in ClinVar:

NM_022114.4(PRDM16):c.3253A>G (p.Met1085Val)

Gene: PRDM16 (PR/SET domain 16; plus strand). Cytogenetic location: 1p36.32.
Variant type: single nucleotide variant.
Coding change: c.3253A>G on transcript NM_022114.4 (MANE Select); coding-DNA position 3253, A replaced by G.
Protein change: p.Met1085Val; replaces methionine 1085 with valine.
Molecular consequence: missense variant.
Genome position (GRCh38, 1-based): chr1:3,426,194, A>G. VCF-style: chr1-3426194-A-G. GRCh37 (hg19) VCF-style: chr1-3342758-A-G.
Other names: c.3253A>G, p.Met1085Val (NM_199454.3); short protein forms M1085V.
Identifiers: ClinVar variation 2108419 (VCV002108419.4), dbSNP rs2523952000, ClinGen allele CA338002889.
Genomic context (GRCh38, chr1:3,426,194, plus strand): 5'-TTAGACGAGAAAGAAGACTCTTATTTCTCGGAAATCAGAAACTTTATTGCCAATAGTGAG[A>G]TGAACCAAGCATCAACGCGAACAGAGAAACGGTAAGAAAACTATCGCGGGCTGGGGAAAG-3'
Protein context (NP_071397.3, residues 1075-1095): EIRNFIANSE[Met1085Val]NQASTRTEKR

ClinVar aggregate classification (germline): Uncertain significance (1 of 4 stars; one submission).

Conditions:
Left ventricular noncompaction 8 (LVNC8). Identifiers: Orphanet 154, Orphanet 54260, MedGen C3809288, MONDO:0014152, OMIM 615373.

Allele frequency attached by ClinVar (database versions not stated): gnomAD exomes below 0.00001.

Submission:

Labcorp Genetics (formerly Invitae), Labcorp
Classification: Uncertain significance for Left ventricular noncompaction 8. Last evaluated: 2022-03-10. Review status: criteria provided, single submitter. Criteria: Invitae Variant Classification Sherloc (09022015). Collection method: clinical testing. Allele origin: germline.
Comment: Algorithms developed to predict the effect of missense changes on protein structure and function (SIFT, PolyPhen-2, Align-GVGD) all suggest that this variant is likely to be tolerated. In summary, the available evidence is currently insufficient to determine the role of this variant in disease. Therefore, it has been classified as a Variant of Uncertain Significance. This variant has not been reported in the literature in individuals affected with PRDM16-related conditions. This variant is not present in population databases (gnomAD no frequency). This sequence change replaces methionine, which is neutral and non-polar, with valine, which is neutral and non-polar, at codon 1085 of the PRDM16 protein (p.Met1085Val).